The following is an entry in ClinVar:

NM_000135.4(FANCA):c.200C>T (p.Pro67Leu)

Gene: FANCA (FA complementation group A; minus strand). Cytogenetic location: 16q24.3.
Variant type: single nucleotide variant.
Coding change: c.200C>T on transcript NM_000135.4 (MANE Select); coding-DNA position 200, C replaced by T.
Protein change: p.Pro67Leu; replaces proline 67 with leucine.
Molecular consequence: missense variant.
Genome position (GRCh38, 1-based): chr16:89,814,603, G>A on the plus strand (C>T on the coding strand, the complement: FANCA is on the minus strand). VCF-style: chr16-89814603-G-A. GRCh37 (hg19) VCF-style: chr16-89881011-G-A.
Other names: c.200C>T, p.Pro67Leu (NM_001018112.3, NM_001286167.3, NM_001351830.2); short protein forms P67L.
Identifiers: ClinVar variation 4870909 (VCV004870909.1).

ClinVar aggregate classification (germline): Uncertain significance (1 of 4 stars; one submission).

Conditions:
Inborn genetic diseases. Identifiers: MedGen C0950123, MeSH D030342.

Submission:

Ambry Genetics
Classification: Uncertain significance for Inborn genetic diseases. Last evaluated: 2026-06-06. Review status: criteria provided, single submitter. Criteria: Ambry Variant Classification Scheme 2023. Collection method: clinical testing. Allele origin: germline.
Comment: The p.P67L variant (also known as c.200C>T), located in coding exon 3 of the FANCA gene, results from a C to T substitution at nucleotide position 200. The proline at codon 67 is replaced by leucine, an amino acid with similar properties. This amino acid position is conserved. In addition, this alteration is predicted to be tolerated by in silico analysis. Based on the available evidence, the clinical significance of this variant remains unclear.